The following is an entry in ClinVar:

ClinVar aggregate classification (germline): Uncertain significance (1 of 4 stars; one submission).

gnomAD v4.1: 2 of 1,550,150 alleles (0.00013%); highest among the groups gnomAD compares: Non-Finnish European, 0.00018%; no homozygotes.

Submission:

Labcorp Genetics (formerly Invitae), Labcorp
Classification: Uncertain significance. Last evaluated: 2021-08-05. Review status: criteria provided, single submitter. Criteria: Invitae Variant Classification Sherloc (09022015). Collection method: clinical testing. Allele origin: germline.
Comment: This sequence change falls in intron 8 of the ATF6 gene. It does not directly change the encoded amino acid sequence of the ATF6 protein. This variant is not present in population databases (ExAC no frequency). This variant has not been reported in the literature in individuals affected with ATF6-related conditions. Algorithms developed to predict the effect of sequence changes on RNA splicing suggest that this variant may create or strengthen a splice site. In summary, the available evidence is currently insufficient to determine the role of this variant in disease. Therefore, it has been classified as a Variant of Uncertain Significance.

NM_007348.4(ATF6):c.1096-18T>A

Gene: ATF6 (activating transcription factor 6; plus strand). Cytogenetic location: 1q23.3.
Variant type: single nucleotide variant.
Coding change: c.1096-18T>A on transcript NM_007348.4 (MANE Select); 18 bases into the intron before coding-DNA position 1096, T replaced by A.
Molecular consequence: intron variant.
Genome position (GRCh38, 1-based): chr1:161,821,052, T>A. VCF-style: chr1-161821052-T-A. GRCh37 (hg19) VCF-style: chr1-161790842-T-A.
Identifiers: ClinVar variation 1480688 (VCV001480688.6), dbSNP rs775960355, ClinGen allele CA2573131205.
Genomic context (GRCh38, chr1:161,821,052, plus strand): 5'-GAAAATTCTAATCTTAAGCGTTGCTTTTTCTGAAATCGATGTTAGTTTAATTGTATTTAA[T>A]GTGGTCATTTCCTTTAGAACCAGAGGCTTAAAGTCCCTAGTCCAAAGCGAAGAGTTGTCT-3'